The following is an entry in ClinVar:

NM_000562.3(C8A):c.158G>C (p.Cys53Ser)

Gene: C8A (complement C8 alpha chain; plus strand). Cytogenetic location: 1p32.2.
Variant type: single nucleotide variant.
Coding change: c.158G>C on transcript NM_000562.3 (MANE Select); coding-DNA position 158, G replaced by C.
Protein change: p.Cys53Ser; replaces cysteine 53 with serine.
Molecular consequence: missense variant.
Genome position (GRCh38, 1-based): chr1:56,867,689, G>C. VCF-style: chr1-56867689-G-C. GRCh37 (hg19) VCF-style: chr1-57333362-G-C.
Other names: short protein forms C53S.
Identifiers: ClinVar variation 1436195 (VCV001436195.6), dbSNP rs2101200553, ClinGen allele CA340510954.

ClinVar aggregate classification (germline): Uncertain significance (1 of 4 stars; one submission).

Submission:

Labcorp Genetics (formerly Invitae), Labcorp
Classification: Uncertain significance. Last evaluated: 2021-12-15. Review status: criteria provided, single submitter. Criteria: Invitae Variant Classification Sherloc (09022015). Collection method: clinical testing. Allele origin: germline.
Comment: This sequence change replaces cysteine, which is neutral and slightly polar, with serine, which is neutral and polar, at codon 53 of the C8A protein (p.Cys53Ser). In summary, the available evidence is currently insufficient to determine the role of this variant in disease. Therefore, it has been classified as a Variant of Uncertain Significance. Algorithms developed to predict the effect of missense changes on protein structure and function (SIFT, PolyPhen-2, Align-GVGD) all suggest that this variant is likely to be disruptive. This variant has not been reported in the literature in individuals affected with C8A-related conditions. This variant is not present in population databases (gnomAD no frequency).